The following is an entry in ClinVar:

NM_000370.3(TTPA):c.574C>T (p.Arg192Cys)

Gene: TTPA (alpha tocopherol transfer protein; minus strand). Cytogenetic location: 8q12.3.
Variant type: single nucleotide variant.
Coding change: c.574C>T on transcript NM_000370.3 (MANE Select); coding-DNA position 574, C replaced by T.
Protein change: p.Arg192Cys; replaces arginine 192 with cysteine.
Molecular consequence: missense variant. On other transcripts: non-coding transcript variant (3), intron variant (2).
Genome position (GRCh38, 1-based): chr8:63,064,295, G>A on the plus strand (C>T on the coding strand, the complement: TTPA is on the minus strand). VCF-style: chr8-63064295-G-A. GRCh37 (hg19) VCF-style: chr8-63976854-G-A.
Other names: c.226C>T, p.Arg76Cys (NM_001413414.1); c.574C>T, p.Arg192Cys (NM_001413416.1); c.691C>T, p.Arg231Cys (NM_001413418.1); c.205-2870C>T (NM_001413417.1); c.359-2870C>T (NM_001413415.1); short protein forms R192C, R231C, R76C.
Identifiers: ClinVar variation 2691685 (VCV002691685.2), dbSNP rs749194952, ClinGen allele CA4763197.

ClinVar aggregate classification (germline): Uncertain significance. Review status: criteria provided, multiple submitters, no conflicts (2 of 4 stars). 2 submissions from 2 submitters: Uncertain significance (2). Last evaluated 2025-07-28.

Conditions:
Familial isolated deficiency of vitamin E (AVED). Also called: ATAXIA, FRIEDREICH-LIKE, WITH SELECTIVE VITAMIN E DEFICIENCY; Ataxia with isolated vitamin E deficiency. Identifiers: Orphanet 96, MedGen C1848533, MONDO:0010188, OMIM 277460.

Allele frequency attached by ClinVar (database versions not stated): TOPMed below 0.00001; ExAC 0.00001; gnomAD 0.00001; gnomAD exomes 0.00001.
gnomAD v4.1: 13 of 1,612,040 alleles (0.00081%); highest among the groups gnomAD compares: South Asian, 0.0011%; no homozygotes.

Submissions (2):

Myriad Genetics, Inc.
Classification: Uncertain significance for Familial isolated deficiency of vitamin E. Last evaluated: 2025-07-28. Review status: criteria provided, single submitter. Criteria: Myriad Autosomal Dominant, Autosomal Recessive and X-Linked Classification Criteria (2023). Collection method: clinical testing. Allele origin: unknown.
Comment: NM_000370.3(TTPA):c.574C>T(R192C) is a missense variant classified as a variant of uncertain significance in the context of ataxia with vitamin E deficiency. R192C has not been observed in cases with relevant disease. Relevant functional assessments of this variant are not available in the literature. R192C has been observed in referenced population frequency databases. In summary, there is insufficient evidence to classify NM_000370.3(TTPA):c.574C>T(R192C) as pathogenic or benign. Please note: this variant was assessed in the context of healthy population screening.

Women's Health and Genetics/Laboratory Corporation of America, LabCorp
Classification: Uncertain significance. Last evaluated: 2023-12-14. Review status: criteria provided, single submitter. Criteria: LabCorp Variant Classification Summary - May 2015. Collection method: clinical testing. Allele origin: germline.
Comment: Variant summary: TTPA c.574C>T (p.Arg192Cys) results in a non-conservative amino acid change located in the CRAL-TRIO lipid binding domain (IPR001251) of the encoded protein sequence. Five of five in-silico tools predict a damaging effect of the variant on protein function. The variant allele was found at a frequency of 8e-06 in 250192 control chromosomes. The available data on variant occurrences in the general population are insufficient to allow any conclusion about variant significance. To our knowledge, no occurrence of c.574C>T in individuals affected with Ataxia With Vitamin E Deficiency and no experimental evidence demonstrating its impact on protein function have been reported. No submitters have cited clinical-significance assessments for this variant to ClinVar after 2014. Based on the evidence outlined above, the variant was classified as uncertain significance.